The following is an entry in ClinVar:

ClinVar aggregate classification (germline): Uncertain significance (1 of 4 stars; one submission).

gnomAD v4.1: 3 of 1,614,078 alleles (0.00019%); highest among the groups gnomAD compares: Non-Finnish European, 0.00025%; no homozygotes.

Submission:

Labcorp Genetics (formerly Invitae), Labcorp
Classification: Uncertain significance. Last evaluated: 2025-09-02. Review status: criteria provided, single submitter. Criteria: Invitae Variant Classification Sherloc (09022015). Collection method: clinical testing. Allele origin: germline.
Comment: This sequence change replaces serine, which is neutral and polar, with glycine, which is neutral and non-polar, at codon 2431 of the FAT2 protein (p.Ser2431Gly). This variant is not present in population databases (gnomAD no frequency). This variant has not been reported in the literature in individuals affected with FAT2-related conditions. Invitae Evidence Modeling of protein sequence and biophysical properties (such as structural, functional, and spatial information, amino acid conservation, physicochemical variation, residue mobility, and thermodynamic stability) indicates that this missense variant is not expected to disrupt FAT2 protein function with a negative predictive value of 80%. In summary, the available evidence is currently insufficient to determine the role of this variant in disease. Therefore, it has been classified as a Variant of Uncertain Significance.

NM_001447.3(FAT2):c.7291A>G (p.Ser2431Gly)

Genes: FAT2 (FAT atypical cadherin 2; minus strand), SLC36A1 (solute carrier family 36 member 1; plus strand). Cytogenetic location: 5q33.1.
Variant type: single nucleotide variant.
Coding change: c.7291A>G on transcript NM_001447.3 (MANE Select); coding-DNA position 7291, A replaced by G.
Protein change: p.Ser2431Gly; replaces serine 2431 with glycine.
Molecular consequence: missense variant.
Genome position (GRCh38, 1-based): chr5:151,543,836, T>C on the plus strand (A>G on the coding strand, the complement: FAT2 is on the minus strand). VCF-style: chr5-151543836-T-C. GRCh37 (hg19) VCF-style: chr5-150923397-T-C.
Other names: short protein forms S2431G.
Identifiers: ClinVar variation 4763530 (VCV004763530.1).